The following is an entry in ClinVar:

NM_004444.5(EPHB4):c.1067C>G (p.Thr356Ser)

Gene: EPHB4 (EPH receptor B4; minus strand). Cytogenetic location: 7q22.1.
Variant type: single nucleotide variant.
Coding change: c.1067C>G on transcript NM_004444.5 (MANE Select); coding-DNA position 1067, C replaced by G.
Protein change: p.Thr356Ser; replaces threonine 356 with serine.
Molecular consequence: missense variant.
Genome position (GRCh38, 1-based): chr7:100,819,787, G>C on the plus strand (C>G on the coding strand, the complement: EPHB4 is on the minus strand). VCF-style: chr7-100819787-G-C. GRCh37 (hg19) VCF-style: chr7-100417409-G-C.
Other names: p.Thr356Ser; short protein forms T356S.
Identifiers: ClinVar variation 1284339 (VCV001284339.17), dbSNP rs192640017, ClinGen allele CA4393116.

ClinVar aggregate classification (germline): Conflicting classifications of pathogenicity. Review status: criteria provided, conflicting classifications (1 of 4 stars). 8 submissions from 8 submitters: Uncertain significance (1); Benign (1); Likely benign (3). 3 of the submissions do not count toward it. Last evaluated 2025-09-11.

Conditions:
Capillary malformation-arteriovenous malformation 2 (CMAVM2). Identifiers: Orphanet 693912, MedGen C4748670, MONDO:0020785, OMIM 618196.
Lymphatic malformation 7 (LMPHM7). Also called: Hydrops fetalis, nonimmune, and/or atrial septal defect, susceptibility to. Identifiers: MedGen C4310629, MONDO:0015009, OMIM 617300.
EPHB4-related disorder. Also called: EPHB4-related condition; EPHB4-related disorders.
Cardiovascular phenotype. Identifiers: MedGen CN230736.

Allele frequency attached by ClinVar (database versions not stated): 1000 Genomes Project 30x 0.00016; ESP Exome Variant Server 0.00016; 1000 Genomes Project 0.00020; gnomAD 0.00021; ExAC 0.00024; gnomAD exomes 0.00028 and 0.00036.
gnomAD v4.1: 533 of 1,579,302 alleles (0.034%); highest among the groups gnomAD compares: Non-Finnish European, 0.044%; no homozygotes.

Submissions (8):

Mayo Clinic Laboratories, Mayo Clinic
Classification: Likely benign. Last evaluated: 2025-09-11. Review status: criteria provided, single submitter. Criteria: ACMG Guidelines, 2015. Collection method: clinical testing. Allele origin: germline. Observed: 2 variant alleles.
Comment: BS1, BP4_moderate

Labcorp Genetics (formerly Invitae), Labcorp
Classification: Likely benign. Last evaluated: 2025-05-30. Review status: criteria provided, single submitter. Criteria: Invitae Variant Classification Sherloc (09022015). Collection method: clinical testing. Allele origin: germline.

Blueprint Genetics
Classification: Likely benign. Last evaluated: 2024-07-19. Review status: criteria provided, single submitter. Criteria: ACMG Guidelines, 2015. Collection method: clinical testing. Allele origin: germline.

Ambry Genetics
Classification: Benign for Cardiovascular phenotype. Last evaluated: 2022-01-06. Review status: criteria provided, single submitter. Criteria: Ambry Variant Classification Scheme 2023. Collection method: clinical testing. Allele origin: germline.

Fulgent Genetics
Classification: Uncertain significance for Lymphatic malformation 7; Capillary malformation-arteriovenous malformation 2. Last evaluated: 2021-07-20. Review status: criteria provided, single submitter. Criteria: ACMG Guidelines, 2015. Collection method: clinical testing. Allele origin: unknown.

PreventionGenetics, part of Exact Sciences
Classification: Likely benign for EPHB4-related condition. Last evaluated: 2024-08-16. Review status: no assertion criteria provided. Collection method: clinical testing. Allele origin: germline. Not counted in ClinVar's aggregate classification.
Comment: This variant is classified as likely benign based on ACMG/AMP sequence variant interpretation guidelines (Richards et al. 2015 PMID: 25741868, with internal and published modifications).

Clinical Genetics, Academic Medical Center
Classification: Likely benign. Review status: no assertion criteria provided. Collection method: clinical testing. Allele origin: germline. Affected: yes. Study: VKGL Data-share Consensus. Not counted in ClinVar's aggregate classification.

Diagnostic Laboratory, Department of Genetics, University Medical Center Groningen
Classification: Likely benign. Review status: no assertion criteria provided. Collection method: clinical testing. Allele origin: germline. Affected: yes. Study: VKGL Data-share Consensus. Not counted in ClinVar's aggregate classification.